The following is an entry in ClinVar:

ClinVar aggregate classification (germline): Likely pathogenic (1 of 4 stars; one submission).

Conditions:
Macular dystrophy with or without extraocular features.

Submission:

Ophthalmic Genetics Group, Institute of Molecular and Clinical Ophthalmology Basel
Classification: Likely pathogenic for Macular dystrophy with or without extraocular features. Last evaluated: 2024-12-17. Review status: criteria provided, single submitter. Criteria: ACMG Guidelines, 2015. Collection method: research. Allele origin: germline. Affected: yes. Observed: 1 variant allele.
Comment: This deletion involves the end of exon 9 and part of intron 9 of AP5Z1, and was predicted by in silico tools to disrupt the canonical splicing, resulting in the skipping of the full exon and a shift of the reading frame. It is not present in gnomAD v2.1.1. Therefore, this variant was classified as Likely pathogenic based on ACMG criteria: PM2_mod, PP3_strong.

Literature cited by the submitters: PubMed 40081374.

NM_014855.3(AP5Z1):c.1124_1132+75del

Gene: AP5Z1 (adaptor related protein complex 5 subunit zeta 1; plus strand). Cytogenetic location: 7p22.1.
Variant type: Deletion.
Coding change: c.1124_1132+75del on transcript NM_014855.3 (MANE Select); coding-DNA position 1124 through 75 bases into the intron after coding-DNA position 1132, 84 bases deleted.
Molecular consequence: splice donor variant.
Genome position (GRCh38, 1-based): chr7:4,785,676-4,785,759, 84 bases deleted. GRCh37 (hg19): chr7:4,825,307-4,825,390.
Other names: NC_000007.13:g.4825307_4825390del; NP_055670.1:p.?; c.656_664+75del (NM_001364858.1).
Identifiers: ClinVar variation 3777708 (VCV003777708.1).